The following is an entry in ClinVar:

ClinVar aggregate classification (germline): Pathogenic (1 of 4 stars; one submission).

Conditions:
Desbuquois dysplasia 1 (DBQD1). Also called: MICROMELIC DWARFISM WITH VERTEBRAL AND METAPHYSEAL ABNORMALITIES AND ADVANCED CARPOTARSAL OSSIFICATION; DESBUQUOIS DYSPLASIA 1, KIM VARIANT. Identifiers: Orphanet 1425, MedGen C4012146, MONDO:0009629, OMIM 251450.

gnomAD v4.1: 1 of 1,614,134 alleles (0.000062%); highest among the groups gnomAD compares: South Asian, 0.0011%; no homozygotes.

Submission:

Women's Health and Genetics/Laboratory Corporation of America, LabCorp
Classification: Pathogenic for Desbuquois dysplasia 1. Last evaluated: 2024-08-26. Review status: criteria provided, single submitter. Criteria: LabCorp Variant Classification Summary - May 2015. Collection method: clinical testing. Allele origin: germline.
Comment: Variant summary: CANT1 c.467C>T (p.Ser156Phe) results in a non-conservative amino acid change in the encoded protein sequence. Five of five in-silico tools predict a damaging effect of the variant on protein function. The variant was absent in 251192 control chromosomes. c.467C>T has been reported in the literature in multiple homozygous individuals affected with Desbuquois dysplasia, Kim type (e.g., Singh_2015). These data indicate that the variant is very likely to be associated with disease. To our knowledge, no experimental evidence demonstrating an impact on protein function has been reported. The following publication has been ascertained in the context of this evaluation (PMID: 25486376). No submitters have cited clinical-significance assessments for this variant to ClinVar. Based on the evidence outlined above, the variant was classified as pathogenic.

Literature cited by the submitters: PubMed 25486376.

NM_001159773.2(CANT1):c.467C>T (p.Ser156Phe)

Gene: CANT1 (calcium activated nucleotidase 1; minus strand). Cytogenetic location: 17q25.3.
Variant type: single nucleotide variant.
Coding change: c.467C>T on transcript NM_001159773.2 (MANE Select); coding-DNA position 467, C replaced by T.
Protein change: p.Ser156Phe; replaces serine 156 with phenylalanine.
Molecular consequence: missense variant.
Genome position (GRCh38, 1-based): chr17:78,997,156, G>A on the plus strand (C>T on the coding strand, the complement: CANT1 is on the minus strand). VCF-style: chr17-78997156-G-A. GRCh37 (hg19) VCF-style: chr17-76993238-G-A.
Other names: c.467C>T, p.Ser156Phe (NM_001159772.2, NM_138793.4); short protein forms S156F.
Identifiers: ClinVar variation 3366599 (VCV003366599.1).
Genomic context (GRCh38, chr17:78,997,156, plus strand): 5'-TTCCCATTGAAAACAATCAGGTCGGATAGCTCCATGCCTCTCCCCTTCTCCGCCAGGTGG[G>A]ACTCCAGGACCCCATGGTCTTTGTCCCATTCCACGGCCACCTTGTCCCCACTGTCTGACA-3'
Protein context (NP_001153245.1, residues 146-166): EWDKDHGVLE[Ser156Phe]HLAEKGRGME